The following is an entry in ClinVar:

NM_001283009.2(RTEL1):c.3782A>G (p.Asp1261Gly)

Genes: RTEL1 (regulator of telomere elongation helicase 1; plus strand), RTEL1-TNFRSF6B (RTEL1-TNFRSF6B readthrough (NMD candidate); plus strand). Cytogenetic location: 20q13.33.
Variant type: single nucleotide variant.
Coding change: c.3782A>G on transcript NM_001283009.2 (MANE Select); coding-DNA position 3782, A replaced by G.
Protein change: p.Asp1261Gly; replaces aspartic acid 1261 with glycine.
Molecular consequence: missense variant. On other transcripts: non-coding transcript variant (1), intron variant (3).
Genome position (GRCh38, 1-based): chr20:63,695,610, A>G. VCF-style: chr20-63695610-A-G. GRCh37 (hg19) VCF-style: chr20-62326963-A-G.
Other names: c.2983+130A>G (NM_001283010.1); c.3724+130A>G (NM_032957.5); c.3652+130A>G (NM_016434.4); short protein forms D1261G.
Identifiers: ClinVar variation 3948298 (VCV003948298.1).

ClinVar aggregate classification (germline): Uncertain significance (1 of 4 stars; one submission).

Conditions:
Inborn genetic diseases. Identifiers: MedGen C0950123, MeSH D030342.

gnomAD v4.1: 2 of 1,611,808 alleles (0.00012%); highest among the groups gnomAD compares: African/African-American, 0.0013%; no homozygotes.

Submission:

Ambry Genetics
Classification: Uncertain significance for Inborn genetic diseases. Last evaluated: 2025-04-05. Review status: criteria provided, single submitter. Criteria: Ambry Variant Classification Scheme 2023. Collection method: clinical testing. Allele origin: germline.
Comment: The p.D1261G variant (also known as c.3782A>G), located in coding exon 33 of the RTEL1 gene, results from an A to G substitution at nucleotide position 3782. The aspartic acid at codon 1261 is replaced by glycine, an amino acid with similar properties. This amino acid position is conserved. In addition, the in silico prediction for this alteration is inconclusive. Based on the available evidence, the clinical significance of this variant remains unclear.